The following is an entry in ClinVar:

NM_000069.3(CACNA1S):c.3970G>A (p.Ala1324Thr)

Gene: CACNA1S (calcium voltage-gated channel subunit alpha1 S; minus strand). Cytogenetic location: 1q32.1.
Variant type: single nucleotide variant.
Coding change: c.3970G>A on transcript NM_000069.3 (MANE Select); coding-DNA position 3970, G replaced by A.
Protein change: p.Ala1324Thr; replaces alanine 1324 with threonine.
Molecular consequence: missense variant.
Genome position (GRCh38, 1-based): chr1:201,051,127, C>T on the plus strand (G>A on the coding strand, the complement: CACNA1S is on the minus strand). VCF-style: chr1-201051127-C-T. GRCh37 (hg19) VCF-style: chr1-201020255-C-T.
Other names: short protein forms A1324T.
Identifiers: ClinVar variation 294724 (VCV000294724.7), dbSNP rs886045797, ClinGen allele CA10608733.

ClinVar aggregate classification (germline): Uncertain significance. Review status: criteria provided, multiple submitters, no conflicts (2 of 4 stars). 2 submissions from 2 submitters: Uncertain significance (2). Last evaluated 2024-11-15.

Conditions:
Hypokalemic periodic paralysis, type 1. Also called: Hypokalemic Periodic Paralysis Type 1 (AD); HypoPP. Identifiers: Orphanet 681, MedGen C3714580, MONDO:0042979, OMIM 170400.
Malignant hyperthermia, susceptibility to, 5 (MHS5). Also called: CACNA1S-Related Malignant Hyperthermia Susceptibility. Identifiers: Orphanet 423, MedGen C1866077, MONDO:0011163, OMIM 601887.

Allele frequency attached by ClinVar (database versions not stated): gnomAD exomes below 0.00001; TOPMed below 0.00001.
gnomAD v4.1: 1 of 1,614,244 alleles (0.000062%); highest among the groups gnomAD compares: Non-Finnish European, 0.000085%; no homozygotes.

Submissions (2):

Labcorp Genetics (formerly Invitae), Labcorp
Classification: Uncertain significance for Hypokalemic periodic paralysis, type 1; Malignant hyperthermia, susceptibility to, 5. Last evaluated: 2024-11-15. Review status: criteria provided, single submitter. Criteria: Invitae Variant Classification Sherloc (09022015). Collection method: clinical testing. Allele origin: germline.
Comment: This sequence change replaces alanine, which is neutral and non-polar, with threonine, which is neutral and polar, at codon 1324 of the CACNA1S protein (p.Ala1324Thr). This variant is not present in population databases (gnomAD no frequency). This variant has not been reported in the literature in individuals affected with CACNA1S-related conditions. ClinVar contains an entry for this variant (Variation ID: 294724). Invitae Evidence Modeling of protein sequence and biophysical properties (such as structural, functional, and spatial information, amino acid conservation, physicochemical variation, residue mobility, and thermodynamic stability) indicates that this missense variant is not expected to disrupt CACNA1S protein function with a negative predictive value of 95%. In summary, the available evidence is currently insufficient to determine the role of this variant in disease. Therefore, it has been classified as a Variant of Uncertain Significance.

Illumina Laboratory Services, Illumina
Classification: Uncertain significance for Hypokalemic periodic paralysis, type 1. Last evaluated: 2018-01-13. Review status: criteria provided, single submitter. Criteria: ICSL Variant Classification Criteria 13 December 2019. Collection method: clinical testing. Allele origin: germline.